The following is an entry in ClinVar:

NM_021098.3(CACNA1H):c.3786G>T (p.Lys1262Asn)

Gene: CACNA1H (calcium voltage-gated channel subunit alpha1 H; plus strand). Cytogenetic location: 16p13.3.
Variant type: single nucleotide variant.
Coding change: c.3786G>T on transcript NM_021098.3 (MANE Select); coding-DNA position 3786, G replaced by T.
Protein change: p.Lys1262Asn; replaces lysine 1262 with asparagine.
Molecular consequence: missense variant.
Genome position (GRCh38, 1-based): chr16:1,210,076, G>T. VCF-style: chr16-1210076-G-T. GRCh37 (hg19) VCF-style: chr16-1260076-G-T.
Other names: c.3786G>T, p.Lys1262Asn (NM_001005407.2); short protein forms K1262N.
Identifiers: ClinVar variation 652501 (VCV000652501.9), dbSNP rs189425202, ClinGen allele CA7800929.
Genomic context (GRCh38, chr16:1,210,076, plus strand): 5'-CCGCCGCCTCATCCCACAGAGCTGCTGCCTCCGCCTGCATAAAGTGCTGGAGCCCTACAA[G>T]CCCCAGTGGTGCCGGAGCCGCGAGGCCTGGGCCCTCTACCTCTTCTCCCCACAGAACCGG-3'
Protein context (NP_066921.2, residues 1252-1272): LRLHKVLEPY[Lys1262Asn]PQWCRSREAW

ClinVar aggregate classification (germline): Uncertain significance (1 of 4 stars; one submission).

Conditions:
Hyperaldosteronism, familial, type IV (HALD4). Also called: FH IV; ALDOSTERONISM, PRIMARY, AND HYPERTENSION. Identifiers: Orphanet 642671, MedGen C4310756, MONDO:0014875, OMIM 617027.
Idiopathic generalized epilepsy. Also called: EIG; Generalised epilepsy. Identifiers: MedGen C0270850, MONDO:0005579, OMIM 600669.

Allele frequency attached by ClinVar (database versions not stated): gnomAD 0.00001; ExAC 0.00010; 1000 Genomes Project 30x 0.00031; 1000 Genomes Project 0.00040.
gnomAD v4.1: 4 of 1,558,608 alleles (0.00026%); highest among the groups gnomAD compares: African/African-American, 0.0027%; no homozygotes.

Submission:

Labcorp Genetics (formerly Invitae), Labcorp
Classification: Uncertain significance for Idiopathic generalized epilepsy; Hyperaldosteronism, familial, type IV. Last evaluated: 2018-12-20. Review status: criteria provided, single submitter. Criteria: Invitae Variant Classification Sherloc (09022015). Collection method: clinical testing. Allele origin: germline.
Comment: This sequence change replaces lysine with asparagine at codon 1262 of the CACNA1H protein (p.Lys1262Asn). The lysine residue is highly conserved and there is a moderate physicochemical difference between lysine and asparagine. In summary, the available evidence is currently insufficient to determine the role of this variant in disease. Therefore, it has been classified as a Variant of Uncertain Significance. Algorithms developed to predict the effect of missense changes on protein structure and function are either unavailable or do not agree on the potential impact of this missense change (SIFT: "Deleterious"; PolyPhen-2: "Benign"; Align-GVGD: "Class C0"). This variant has not been reported in the literature in individuals with CACNA1H-related conditions. This variant is present in population databases (rs189425202, ExAC 0.05%).